The following is an entry in ClinVar:

NM_004525.3(LRP2):c.12316C>T (p.Arg4106Ter)

Gene: LRP2 (LDL receptor related protein 2; minus strand). Cytogenetic location: 2q31.1.
Variant type: single nucleotide variant.
Coding change: c.12316C>T on transcript NM_004525.3 (MANE Select); coding-DNA position 12316, C replaced by T.
Protein change: p.Arg4106Ter; replaces arginine 4106 with a stop codon.
Molecular consequence: nonsense.
Genome position (GRCh38, 1-based): chr2:169,152,944, G>A on the plus strand (C>T on the coding strand, the complement: LRP2 is on the minus strand). VCF-style: chr2-169152944-G-A. GRCh37 (hg19) VCF-style: chr2-170009454-G-A.
Other names: short protein forms R4106*.
Identifiers: ClinVar variation 3584697 (VCV003584697.4).

ClinVar aggregate classification (germline): Pathogenic/Likely pathogenic. Review status: criteria provided, multiple submitters, no conflicts (2 of 4 stars). 3 submissions from 3 submitters: Pathogenic (1); Likely pathogenic (2). Last evaluated 2024-09-03.

Conditions:
Donnai-Barrow syndrome. Also called: DBS/FOAR SYNDROME; FACIOOCULOACOUSTICORENAL SYNDROME. Identifiers: Orphanet 2143, MedGen C1857277, MONDO:0009104, OMIM 222448.
LRP2-related disorder. Also called: LRP2-related condition.

gnomAD v4.1: 5 of 1,613,846 alleles (0.00031%); highest among the groups gnomAD compares: Non-Finnish European, 0.00042%; no homozygotes.

Submissions (3):

Myriad Genetics, Inc.
Classification: Pathogenic for Donnai-Barrow syndrome. Last evaluated: 2024-09-03. Review status: criteria provided, single submitter. Criteria: Myriad Autosomal Dominant, Autosomal Recessive and X-Linked Classification Criteria (2023). Collection method: clinical testing. Allele origin: unknown.
Comment: NM_004525.2(LRP2):c.12316C>T(R4106*) is expected to be pathogenic in the context of Donnai-Barrow syndrome. This variant is predicted to lead to an abnormal or absent protein product due to the creation of a premature termination codon in LRP2, a gene where loss-of-function variants are known to be pathogenic. Please note: this variant was assessed in the context of healthy population screening.

Fulgent Genetics
Classification: Likely pathogenic for Donnai-Barrow syndrome. Last evaluated: 2024-05-13. Review status: criteria provided, single submitter. Criteria: ACMG Guidelines, 2015. Collection method: clinical testing. Allele origin: germline.

Blueprint Genetics
Classification: Likely pathogenic for LRP2-related disorders. Last evaluated: 2024-01-17. Review status: criteria provided, single submitter. Criteria: ACMG Guidelines, 2015. Collection method: clinical testing. Allele origin: germline. Affected: yes. Observed: 2 variant alleles.